The following is an entry in ClinVar:

NM_001134407.3(GRIN2A):c.3953G>C (p.Arg1318Pro)

Gene: GRIN2A (glutamate ionotropic receptor NMDA type subunit 2A; minus strand). Cytogenetic location: 16p13.2.
Variant type: single nucleotide variant.
Coding change: c.3953G>C on transcript NM_001134407.3 (MANE Select); coding-DNA position 3953, G replaced by C.
Protein change: p.Arg1318Pro; replaces arginine 1318 with proline.
Molecular consequence: missense variant. On other transcripts: intron variant (1).
Genome position (GRCh38, 1-based): chr16:9,763,591, C>G on the plus strand (G>C on the coding strand, the complement: GRIN2A is on the minus strand). VCF-style: chr16-9763591-C-G. GRCh37 (hg19) VCF-style: chr16-9857448-C-G.
Other names: c.3953G>C, p.Arg1318Pro (NM_000833.5); c.3773-163G>C (NM_001134408.2); short protein forms R1318P.
Identifiers: ClinVar variation 3374894 (VCV003374894.3).

ClinVar aggregate classification (germline): Uncertain significance. Review status: criteria provided, multiple submitters, no conflicts (2 of 4 stars). 2 submissions from 2 submitters: Uncertain significance (2). Last evaluated 2025-07-14.

Conditions:
Landau-Kleffner syndrome (FESD). Also called: EPILEPSY, FOCAL, WITH SPEECH DISORDER AND WITH OR WITHOUT MENTAL RETARDATION; APHASIA, ACQUIRED, WITH EPILEPSY. Identifiers: Orphanet 1945, Orphanet 725, Orphanet 98818, MedGen C0282512, MONDO:0009509, OMIM 245570.

Submissions (2):

Labcorp Genetics (formerly Invitae), Labcorp
Classification: Uncertain significance for Landau-Kleffner syndrome. Last evaluated: 2025-07-14. Review status: criteria provided, single submitter. Criteria: Invitae Variant Classification Sherloc (09022015). Collection method: clinical testing. Allele origin: germline.
Comment: This sequence change replaces arginine, which is basic and polar, with proline, which is neutral and non-polar, at codon 1318 of the GRIN2A protein (p.Arg1318Pro). This variant is not present in population databases (gnomAD no frequency). This variant has not been reported in the literature in individuals affected with GRIN2A-related conditions. ClinVar contains an entry for this variant (Variation ID: 3374894). Invitae Evidence Modeling of protein sequence and biophysical properties (such as structural, functional, and spatial information, amino acid conservation, physicochemical variation, residue mobility, and thermodynamic stability) indicates that this missense variant is not expected to disrupt GRIN2A protein function with a negative predictive value of 95%. In summary, the available evidence is currently insufficient to determine the role of this variant in disease. Therefore, it has been classified as a Variant of Uncertain Significance.

Women's Health and Genetics/Laboratory Corporation of America, LabCorp
Classification: Uncertain significance. Last evaluated: 2024-09-11. Review status: criteria provided, single submitter. Criteria: LabCorp Variant Classification Summary - May 2015. Collection method: clinical testing. Allele origin: germline.
Comment: Variant summary: GRIN2A c.3953G>C (p.Arg1318Pro) results in a non-conservative amino acid change located in the Glutamate [NMDA] receptor, epsilon subunit, C-terminal domain (IPR018884) of the encoded protein sequence. Three of five in-silico tools predict a damaging effect of the variant on protein function. The variant was absent in 250860 control chromosomes. The available data on variant occurrences in the general population are insufficient to allow any conclusion about variant significance. To our knowledge, no occurrence of c.3953G>C in individuals affected with Epilepsy, Focal, With Speech Disorder And With Or Without Mental Retardation and no experimental evidence demonstrating its impact on protein function have been reported. No submitters have cited clinical-significance assessments for this variant to ClinVar. Based on the evidence outlined above, the variant was classified as uncertain significance.